The following is an entry in ClinVar:

ClinVar aggregate classification (germline): Conflicting classifications of pathogenicity. Review status: criteria provided, conflicting classifications (1 of 4 stars). 3 submissions from 3 submitters: Likely pathogenic (2); Uncertain significance (1). Last evaluated 2023-11-17.

Conditions:
X-linked Alport syndrome (ATS1). Also called: NEPHROPATHY AND DEAFNESS, X-LINKED; COL4A5-Related Nephropathy. Identifiers: Orphanet 63, Orphanet 88917, MedGen C4746986, MONDO:0010520, OMIM 301050.

Submissions (3):

Women's Health and Genetics/Laboratory Corporation of America, LabCorp
Classification: Likely pathogenic for X-linked Alport syndrome. Last evaluated: 2023-11-17. Review status: criteria provided, single submitter. Criteria: LabCorp Variant Classification Summary - May 2015. Collection method: clinical testing. Allele origin: germline.
Comment: Variant summary: COL4A5 c.3554G>A (p.Gly1185Asp) results in a non-conservative amino acid change located in a Collagen triple helix repeat domain (IPR008160) of the encoded protein sequence. This missense variant disrupts a critical Gly residue at position 1 of a Gly-X-Y repeat in the collagenous domain of the collagen IV alpha 5 chain, and most COL4A5 mutations in Alport syndrome patients have been reported to disrupt these position-1 Glycine residues in the collagenous domain (PMID: 33854215). Five of five in-silico tools predict a damaging effect of the variant on protein function. In addition, this variant disrupts the first nucleotide of exon 40, and therefore can affect splicing. Consensus agreement among computation tools predict no significant impact on normal splicing. However, these predictions have yet to be confirmed by functional studies. The variant was absent in 183003 control chromosomes (gnomAD). To our knowledge, no occurrence of c.3554G>A in individuals affected with Alport Syndrome 1, X-Linked Recessive and no experimental evidence demonstrating its impact on protein function have been reported. One submitter has reported clinical-significance assessments for this variant to ClinVar after 2014 and has classified the variant as uncertain significance. Based on the evidence outlined above, the variant was classified as likely pathogenic.

Labcorp Genetics (formerly Invitae), Labcorp
Classification: Uncertain significance. Last evaluated: 2022-02-23. Review status: criteria provided, single submitter. Criteria: Invitae Variant Classification Sherloc (09022015). Collection method: clinical testing. Allele origin: germline.
Comment: This sequence change replaces glycine, which is neutral and non-polar, with aspartic acid, which is acidic and polar, at codon 1185 of the COL4A5 protein (p.Gly1185Asp). This variant is not present in population databases (gnomAD no frequency). This variant has not been reported in the literature in individuals affected with COL4A5-related conditions. Algorithms developed to predict the effect of missense changes on protein structure and function are either unavailable or do not agree on the potential impact of this missense change (SIFT: "Deleterious"; PolyPhen-2: "Not Available"; Align-GVGD: "Class C65"). In summary, the available evidence is currently insufficient to determine the role of this variant in disease. Therefore, it has been classified as a Variant of Uncertain Significance.

Juno Genomics, Hangzhou Juno Genomics, Inc
Classification: Likely pathogenic for X-linked Alport syndrome. Review status: criteria provided, single submitter. Criteria: ACMG Guidelines, 2015. Collection method: clinical testing. Allele origin: germline. Affected: yes.
Comment: Absent from controls (or at extremely low frequency if recessive) in Genome Aggregation Database.;Multiple lines of computational evidence support a deleterious effect on the gene or gene product.;Patient's phenotype or family history is highly specific for a disease with a single genetic etiology.

NM_033380.3(COL4A5):c.3554G>A (p.Gly1185Asp)

Gene: COL4A5 (collagen type IV alpha 5 chain; plus strand). Cytogenetic location: Xq22.3.
Variant type: single nucleotide variant.
Coding change: c.3554G>A on transcript NM_033380.3 (MANE Select); coding-DNA position 3554, G replaced by A.
Protein change: p.Gly1185Asp; replaces glycine 1185 with aspartic acid.
Molecular consequence: missense variant.
Genome position (GRCh38, 1-based): chrX:108,667,133, G>A. VCF-style: chrX-108667133-G-A. GRCh37 (hg19) VCF-style: chrX-107910363-G-A.
Other names: c.3554G>A, p.Gly1185Asp (NM_000495.5); short protein forms G1185D.
Identifiers: ClinVar variation 2102565 (VCV002102565.3), dbSNP rs2068097992, ClinGen allele CA413848008.